The following is an entry in ClinVar:

ClinVar aggregate classification (germline): Likely benign. Review status: criteria provided, multiple submitters, no conflicts (2 of 4 stars). 2 submissions from 2 submitters: Likely benign (2). Last evaluated 2023-03-01.

Allele frequency attached by ClinVar (database versions not stated): gnomAD 0.00006; ESP Exome Variant Server 0.00008; gnomAD exomes 0.00003; ExAC 0.00005; TOPMed 0.00005.
gnomAD v4.1: 55 of 1,603,232 alleles (0.0034%); highest among the groups gnomAD compares: East Asian, 0.0045%; no homozygotes.

Submissions (2):

Labcorp Genetics (formerly Invitae), Labcorp
Classification: Likely benign. Last evaluated: 2023-03-01. Review status: criteria provided, single submitter. Criteria: Invitae Variant Classification Sherloc (09022015). Collection method: clinical testing. Allele origin: germline.

CeGaT Center for Human Genetics Tuebingen
Classification: Likely benign. Last evaluated: 2022-07-01. Review status: criteria provided, single submitter. Criteria: CeGaT Center For Human Genetics Tuebingen Variant Classification Criteria Version 2. Collection method: clinical testing. Allele origin: germline. Affected: yes. Observed: 1 variant allele.
Comment: BPTF: BP4, BP7

NM_182641.4(BPTF):c.5283G>A (p.Pro1761=)

Gene: BPTF (bromodomain PHD finger transcription factor; plus strand). Cytogenetic location: 17q24.2.
Variant type: single nucleotide variant.
Coding change: c.5283G>A on transcript NM_182641.4 (MANE Select); coding-DNA position 5283, G replaced by A.
Protein change: p.Pro1761=; no amino-acid change (proline 1761 retained).
Molecular consequence: synonymous variant.
Genome position (GRCh38, 1-based): chr17:67,913,167, G>A. VCF-style: chr17-67913167-G-A. GRCh37 (hg19) VCF-style: chr17-65909283-G-A.
Other names: c.5661G>A, p.Pro1887= (NM_004459.7).
Identifiers: ClinVar variation 2648141 (VCV002648141.27), dbSNP rs370226933, ClinGen allele CA8725921.